The following is an entry in ClinVar:

ClinVar aggregate classification (germline): Pathogenic (1 of 4 stars; one submission).

Conditions:
Gorlin syndrome. Also called: Basal cell nevus syndrome; Nevoid Basal Cell Carcinoma Syndrome. Identifiers: Orphanet 377, MedGen C0004779, MONDO:0007187.

Submission:

Labcorp Genetics (formerly Invitae), Labcorp
Classification: Pathogenic for Gorlin syndrome. Last evaluated: 2025-07-09. Review status: criteria provided, single submitter. Criteria: Invitae Variant Classification Sherloc (09022015). Collection method: clinical testing. Allele origin: germline.
Comment: This sequence change creates a premature translational stop signal (p.Gln409Argfs*23) in the PTCH1 gene. It is expected to result in an absent or disrupted protein product. Loss-of-function variants in PTCH1 are known to be pathogenic (PMID: 16301862, 16419085). This variant is not present in population databases (gnomAD no frequency). This variant has not been reported in the literature in individuals affected with PTCH1-related conditions. For these reasons, this variant has been classified as Pathogenic.

Literature cited by the submitters: PubMed 16301862; PubMed 16419085.

NM_000264.5(PTCH1):c.1225del (p.Gln409fs)

Gene: PTCH1 (patched 1; minus strand). Cytogenetic location: 9q22.32.
Variant type: Deletion.
Coding change: c.1225del on transcript NM_000264.5 (MANE Select); coding-DNA position 1225, one base deleted (C; older notation c.1225delC).
Protein change: p.Gln409fs; shifts the reading frame from glutamine 409.
Molecular consequence: frameshift variant. On other transcripts: non-coding transcript variant (1).
Genome position (GRCh38, 1-based): chr9:95,478,177, G deleted on the plus strand (C on the coding strand, the reverse complement: PTCH1 is on the minus strand). VCF-style (leftmost placement, unchanged base first): chr9-95478176-TG-T. GRCh37 (hg19) VCF-style: chr9-98240458-TG-T.
Other names: c.1027del, p.Gln343fs (NM_001083602.3); c.1222del, p.Gln408fs (NM_001083603.3); c.772del, p.Gln258fs (NM_001083604.3, NM_001083605.3, NM_001083606.3 and 1 more transcripts); c.1225del, p.Gln409fs (NM_001354918.2); short protein forms Q408fs, Q343fs, Q409fs, Q258fs.
Identifiers: ClinVar variation 4722900 (VCV004722900.1).